The following is an entry in ClinVar:

ClinVar aggregate classification (germline): Uncertain significance (1 of 4 stars; one submission).

Submission:

Labcorp Genetics (formerly Invitae), Labcorp
Classification: Uncertain significance. Last evaluated: 2024-07-12. Review status: criteria provided, single submitter. Criteria: Invitae Variant Classification Sherloc (09022015). Collection method: clinical testing. Allele origin: germline.
Comment: This sequence change replaces alanine, which is neutral and non-polar, with valine, which is neutral and non-polar, at codon 370 of the COMP protein (p.Ala370Val). This variant is present in population databases (rs755776825, gnomAD 0.02%). This variant has not been reported in the literature in individuals affected with COMP-related conditions. Advanced modeling of protein sequence and biophysical properties (such as structural, functional, and spatial information, amino acid conservation, physicochemical variation, residue mobility, and thermodynamic stability) performed at Invitae indicates that this missense variant is not expected to disrupt COMP protein function with a negative predictive value of 80%. In summary, the available evidence is currently insufficient to determine the role of this variant in disease. Therefore, it has been classified as a Variant of Uncertain Significance.

NM_000095.3(COMP):c.1109C>T (p.Ala370Val)

Gene: COMP (cartilage oligomeric matrix protein; minus strand). Cytogenetic location: 19p13.11.
Variant type: single nucleotide variant.
Coding change: c.1109C>T on transcript NM_000095.3 (MANE Select); coding-DNA position 1109, C replaced by T.
Protein change: p.Ala370Val; replaces alanine 370 with valine.
Molecular consequence: missense variant.
Genome position (GRCh38, 1-based): chr19:18,787,517, G>A on the plus strand (C>T on the coding strand, the complement: COMP is on the minus strand). VCF-style: chr19-18787517-G-A. GRCh37 (hg19) VCF-style: chr19-18898326-G-A.
Other names: short protein forms A370V.
Identifiers: ClinVar variation 3628588 (VCV003628588.2).